The following is an entry in ClinVar:

NM_000287.4(PEX6):c.*181dup

Gene: PEX6 (peroxisomal biogenesis factor 6; minus strand). Cytogenetic location: 6p21.1.
Variant type: Duplication.
Coding change: c.*181dup on transcript NM_000287.4 (MANE Select); 181 bases downstream of the stop codon, one base duplicated (A; older notation c.*181dupA).
Molecular consequence: 3 prime UTR variant. On other transcripts: non-coding transcript variant (1).
Genome position (GRCh38, 1-based): chr6:42,964,154, T duplicated on the plus strand (A on the coding strand, the reverse complement: PEX6 is on the minus strand). VCF-style (leftmost placement, unchanged base first): chr6-42964153-A-AT. GRCh37 (hg19) VCF-style: chr6-42931891-A-AT.
Other names: c.*181dup (NM_001316313.2).
Identifiers: ClinVar variation 1707121 (VCV001707121.2), dbSNP rs201876322, ClinGen allele CA138219309.
Genomic context (GRCh38, chr6:42,964,153, plus strand): 5'-CCTGAGTAGATGGGCCTTTCTCTTAGAGCCGGCCTGGAAGGAGGGGCAAGTAGGCAGGAG[A>AT]TATCTCTTGAGCTGTTGCTGCTGTCTCAATGCCACTTTGCACCCTGGGATCTCCTGGAGG-3'

ClinVar aggregate classification (germline): Likely benign (1 of 4 stars; one submission).

Allele frequency attached by ClinVar (database versions not stated): gnomAD exomes 0.00083; gnomAD 0.00657; TOPMed 0.00682; 1000 Genomes Project 0.00938; 1000 Genomes Project 30x 0.01046.

Submission:

GeneDx
Classification: Likely benign. Last evaluated: 2020-09-20. Review status: criteria provided, single submitter. Criteria: GeneDx Variant Classification Process June 2021. Collection method: clinical testing. Allele origin: germline. Affected: yes.
Comment: See Variant Classification Assertion Criteria.